The following is an entry in ClinVar:

NM_001360016.2(G6PD):c.1226C>A (p.Pro409Gln)

Gene: G6PD (glucose-6-phosphate dehydrogenase; minus strand). Cytogenetic location: Xq28.
Variant type: single nucleotide variant.
Coding change: c.1226C>A on transcript NM_001360016.2 (MANE Select); coding-DNA position 1226, C replaced by A.
Protein change: p.Pro409Gln; replaces proline 409 with glutamine.
Molecular consequence: missense variant.
Genome position (GRCh38, 1-based): chrX:154,532,628, G>T on the plus strand (C>A on the coding strand, the complement: G6PD is on the minus strand). VCF-style: chrX-154532628-G-T. GRCh37 (hg19) VCF-style: chrX-153760843-G-T.
Other names: G6PD Merlo; c.1316C>A, p.Pro439Gln (NM_000402.4); c.1226C>A, p.Pro409Gln (NM_001042351.3); short protein forms P409Q, P439Q.
Identifiers: ClinVar variation 1722679 (VCV001722679.2), dbSNP rs1557229670, ClinGen allele CA415233939.
Genomic context (GRCh38, chrX:154,532,628, plus strand): 5'-TTGTATCTGTTGCCGTAGGTCAGGTCCAGCTCCGACTCCTCGGGGTTGAAGAACATGCCC[G>T]GCTTCTTGGTCATCATCTTGGTGTACACGGCCTCGTTGGGCTGCACGCGGATCACCAGCT-3'
Protein context (NP_001346945.1, residues 399-419): AVYTKMMTKK[Pro409Gln]GMFFNPEESE

ClinVar aggregate classification (germline): Pathogenic (1 of 4 stars; one submission).

Conditions:
Anemia, nonspherocytic hemolytic, due to G6PD deficiency (CNSHA1). Also called: Hemolytic anemia due to G6PD deficiency; Class I glucose-6-phosphate dehydrogenase deficiency; Favism, susceptibility to; ANEMIA, CONGENITAL, NONSPHEROCYTIC HEMOLYTIC, 1. Identifiers: Orphanet 466026, MedGen C2720289, MONDO:0010480, OMIM 300908.

Submission:

Dunham Lab, University of Washington
Classification: Pathogenic for Anemia, nonspherocytic hemolytic, due to G6PD deficiency. Last evaluated: 2022-08-12. Review status: criteria provided, single submitter. Criteria: Bayesian ACMG Guidelines, 2018. Collection method: curation. Allele origin: unknown. Affected: yes.
Comment: Decreased activity in red blood cells (13-24%) (PS3). Structural analysis shows disrupts dimer interface (PM1). Predicted by PolyPhen and SIFT to be probably damaging and deleterious (PP3). Not found in gnomAD (PM2). Post_P 0.994 (odds of pathogenicity 1517, Prior_P 0.1).

Literature cited by the submitters: PubMed 26827633.